The following is an entry in ClinVar:

ClinVar aggregate classification (germline): Uncertain significance (1 of 4 stars; one submission).

gnomAD v4.1: 6 of 1,612,842 alleles (0.00037%); highest among the groups gnomAD compares: Non-Finnish European, 0.00051%; no homozygotes.

Submission:

Labcorp Genetics (formerly Invitae), Labcorp
Classification: Uncertain significance. Last evaluated: 2025-12-22. Review status: criteria provided, single submitter. Criteria: Invitae Variant Classification Sherloc (09022015). Collection method: clinical testing. Allele origin: germline.
Comment: This sequence change replaces threonine, which is neutral and polar, with methionine, which is neutral and non-polar, at codon 332 of the RIN2 protein (p.Thr332Met). This variant is present in population databases (no rsID available, gnomAD 0.0009%). This variant has not been reported in the literature in individuals affected with RIN2-related conditions. Experimental studies and prediction algorithms are not available or were not evaluated, and the functional significance of this variant is currently unknown. In summary, the available evidence is currently insufficient to determine the role of this variant in disease. Therefore, it has been classified as a Variant of Uncertain Significance.

NM_018993.4(RIN2):c.995C>T (p.Thr332Met)

Gene: RIN2 (Ras and Rab interactor 2; plus strand). Cytogenetic location: 20p11.23.
Variant type: single nucleotide variant.
Coding change: c.995C>T on transcript NM_018993.4 (MANE Select); coding-DNA position 995, C replaced by T.
Protein change: p.Thr332Met; replaces threonine 332 with methionine.
Molecular consequence: missense variant.
Genome position (GRCh38, 1-based): chr20:19,975,020, C>T. VCF-style: chr20-19975020-C-T. GRCh37 (hg19) VCF-style: chr20-19955664-C-T.
Other names: c.1142C>T, p.Thr381Met (NM_001242581.2); c.377C>T, p.Thr126Met (NM_001378238.1); short protein forms T126M, T332M, T381M.
Identifiers: ClinVar variation 4797396 (VCV004797396.1).
Genomic context (GRCh38, chr20:19,975,020, plus strand): 5'-CGCCACCCGCTATTAATAGTCTCCACACAAGCCCTCGGCTGGCCAGGACTGAAACCCAGA[C>T]GAGCATGCCAGAAACAGTCAACCATAACAAACATGGGAACGTAGCTCTGCCTGGAACGAA-3'
Protein context (NP_061866.1, residues 322-342): SPRLARTETQ[Thr332Met]SMPETVNHNK